The following is an entry in ClinVar:

ClinVar aggregate classification (germline): Pathogenic. Review status: criteria provided, multiple submitters, no conflicts (2 of 4 stars). 2 submissions from 2 submitters: Pathogenic (2). Last evaluated 2025-07-16.

Conditions:
Vanishing white matter disease. Also called: CACH syndrome; Childhood ataxia with diffuse central nervous system hypomyelination; Leukoencephalopathy with vanishing white matter; CACH/VWM syndrome; Cree leukoencehalopathy. Identifiers: Orphanet 135, Orphanet 99853, MedGen C1858991, MONDO:0800448.

Submissions (2):

Natera, Inc.
Classification: Pathogenic for Leukoencephalopathy with vanishing white matter. Last evaluated: 2025-07-16. Review status: criteria provided, single submitter. Criteria: Natera Variant Classification Schema (03/2026). Collection method: clinical testing. Allele origin: germline.
Comment: The c.799C>T variant in EIF2B5 is a nonsense variant predicted to introduce a stop codon at amino acid 267. This variant is expected to result in nonsense mediated decay, truncation, or a dysfunctional protein product. This variant is rare in the general population with a frequency below the threshold expected for the associated phenotype(s). This variant has been observed in one or more individuals affected with the associated recessive disease, as either homozygous or compound heterozygous with a second variant (PMID: 28252636). Given the available evidence, this variant is classified as Pathogenic.

GeneDx
Classification: Pathogenic. Last evaluated: 2022-09-23. Review status: criteria provided, single submitter. Criteria: GeneDx Variant Classification Process June 2021. Collection method: clinical testing. Allele origin: germline. Affected: yes.
Comment: Identified with another EIF2B5 variant, phase unknown, in an individual with encephalopathy, leukodystrophy, and seizures in the published literature (Baldridge et al., 2017); Nonsense variant predicted to result in protein truncation or nonsense mediated decay in a gene for which loss of function is a known mechanism of disease; Not observed at significant frequency in large population cohorts (gnomAD); This variant is associated with the following publications: (PMID: 28252636, 26633542)

Literature cited by the submitters: PubMed 28252636 (cited by Natera, Inc.).

NM_003907.3(EIF2B5):c.799C>T (p.Gln267Ter)

Gene: EIF2B5 (eukaryotic translation initiation factor 2B subunit epsilon; plus strand). Cytogenetic location: 3q27.1.
Variant type: single nucleotide variant.
Coding change: c.799C>T on transcript NM_003907.3 (MANE Select); coding-DNA position 799, C replaced by T.
Protein change: p.Gln267Ter; replaces glutamine 267 with a stop codon.
Molecular consequence: nonsense.
Genome position (GRCh38, 1-based): chr3:184,140,113, C>T. VCF-style: chr3-184140113-C-T. GRCh37 (hg19) VCF-style: chr3-183857901-C-T.
Other names: short protein forms Q267*.
Identifiers: ClinVar variation 1707203 (VCV001707203.3), dbSNP rs2473665032, ClinGen allele CA355383431.